The following is an entry in ClinVar:

NC_000008.11:g.(?_43103539)_(43103840_?)del

Gene: POMK (protein O-mannose kinase; plus strand). Cytogenetic location: 8p11.21.
Variant type: Deletion.
Identifiers: ClinVar variation 651249 (VCV000651249.1).

ClinVar aggregate classification (germline): Pathogenic (1 of 4 stars; one submission).

Conditions:
Muscular dystrophy-dystroglycanopathy (congenital with brain and eye anomalies), type a, 12 (MDDGA12). Also called: WALKER-WARBURG SYNDROME OR MUSCLE-EYE-BRAIN DISEASE, POMK-RELATED. Identifiers: Orphanet 899, MedGen C3808964, MONDO:0014101, OMIM 615249.
Limb-girdle muscular dystrophy due to POMK deficiency. Also called: Muscular dystrophy-dystroglycanopathy (limb-girdle), type c, 12; MUSCULAR DYSTROPHY-DYSTROGLYCANOPATHY, LIMB-GIRDLE, POMK-RELATED. Identifiers: Orphanet 445110, MedGen C4015184, MONDO:0014489, OMIM 616094.

Submission:

Labcorp Genetics (formerly Invitae), Labcorp
Classification: Pathogenic for Muscular dystrophy-dystroglycanopathy (congenital with brain and eye anomalies), type a, 12; Muscular dystrophy-dystroglycanopathy (limb-girdle), type c, 12. Last evaluated: 2018-10-19. Review status: criteria provided, single submitter. Criteria: Invitae Variant Classification Sherloc (09022015). Collection method: clinical testing. Allele origin: germline.
Comment: This variant is a gross deletion of the genomic region encompassing exon 4 of the POMK gene, which includes the initiator codon. The 5' end of this event is unknown as it extends beyond the assayed region for this gene and therefore may encompass additional genes. The 3' boundary is likely confined to intron 4 of the POMK gene. This is expected to result in an absent or disrupted protein product. This variant has not been reported in the literature in individuals with POMK-related disease. Loss-of-function variants in POMK are known to be pathogenic (PMID:Â¬â€ 24925318). For these reasons, this variant has been classified as Pathogenic.